The following is an entry in ClinVar:

NM_014314.4(RIGI):c.1337T>A (p.Leu446Gln)

Gene: RIGI (RNA sensor RIG-I; minus strand). Cytogenetic location: 9p21.1.
Variant type: single nucleotide variant.
Coding change: c.1337T>A on transcript NM_014314.4 (MANE Select); coding-DNA position 1337, T replaced by A.
Protein change: p.Leu446Gln; replaces leucine 446 with glutamine.
Molecular consequence: missense variant.
Genome position (GRCh38, 1-based): chr9:32,487,509, A>T on the plus strand (T>A on the coding strand, the complement: RIGI is on the minus strand). VCF-style: chr9-32487509-A-T. GRCh37 (hg19) VCF-style: chr9-32487507-A-T.
Other names: c.1331T>A, p.Leu444Gln (NM_001385907.1); c.1337T>A, p.Leu446Gln (NM_001385909.1); c.896T>A, p.Leu299Gln (NM_001385910.1); c.728T>A, p.Leu243Gln (NM_001385912.1); c.1322T>A, p.Leu441Gln (NM_001385913.1); c.893T>A, p.Leu298Gln (NM_001385914.1); short protein forms L299Q, L441Q, L446Q, L243Q, L298Q, L444Q.
Identifiers: ClinVar variation 4737004 (VCV004737004.1).

ClinVar aggregate classification (germline): Uncertain significance (1 of 4 stars; one submission).

Submission:

Labcorp Genetics (formerly Invitae), Labcorp
Classification: Uncertain significance. Last evaluated: 2025-04-02. Review status: criteria provided, single submitter. Criteria: Invitae Variant Classification Sherloc (09022015). Collection method: clinical testing. Allele origin: germline.
Comment: This sequence change replaces leucine, which is neutral and non-polar, with glutamine, which is neutral and polar, at codon 446 of the DDX58 protein (p.Leu446Gln). This variant is not present in population databases (gnomAD no frequency). This variant has not been reported in the literature in individuals affected with DDX58-related conditions. Invitae Evidence Modeling of protein sequence and biophysical properties (such as structural, functional, and spatial information, amino acid conservation, physicochemical variation, residue mobility, and thermodynamic stability) indicates that this missense variant is not expected to disrupt DDX58 protein function with a negative predictive value of 80%. In summary, the available evidence is currently insufficient to determine the role of this variant in disease. Therefore, it has been classified as a Variant of Uncertain Significance.